The following is an entry in ClinVar:

NM_001384732.1(CPLANE1):c.4394_4397dup (p.Asp1467fs)

Genes: CPLANE1 (ciliogenesis and planar polarity effector complex subunit 1; minus strand), LOC129389274 (MPRA-validated peak5227 silencer; plus strand). Cytogenetic location: 5p13.2.
Variant type: Duplication.
Coding change: c.4394_4397dup on transcript NM_001384732.1 (MANE Select); coding-DNA positions 4394 to 4397, 4 bases duplicated (TAGG; older notation c.4394_4397dupTAGG).
Protein change: p.Asp1467fs; shifts the reading frame from aspartic acid 1467.
Molecular consequence: frameshift variant.
Genome position (GRCh38, 1-based): chr5:37,184,872-37,184,875, CCTA duplicated on the plus strand (TAGG on the coding strand, the reverse complement: CPLANE1 is on the minus strand). VCF-style (leftmost placement, unchanged base first): chr5-37184871-T-TCCTA. GRCh37 (hg19) VCF-style: chr5-37184973-T-TCCTA.
Other names: c.4394_4397dup, p.Asp1467fs (NM_023073.4); short protein forms D1467fs.
Identifiers: ClinVar variation 944321 (VCV000944321.12), dbSNP rs1333914993, ClinGen allele CA559024948.

ClinVar aggregate classification (germline): Pathogenic/Likely pathogenic. Review status: criteria provided, multiple submitters, no conflicts (2 of 4 stars). 3 submissions from 3 submitters: Pathogenic (1); Likely pathogenic (2). Last evaluated 2024-10-29.

Conditions:
Joubert syndrome 17 (JBTS17). Identifiers: Orphanet 475, MedGen C3553264, MONDO:0013824, OMIM 614615.
Orofaciodigital syndrome type 6 (OFD6). Also called: Oral-facial-digital syndrome type 6; Central polydactyly cleft lip/palate or lingual lump and psychomotor retardation; Y-shaped central metacarpal and cerebellar defect; Joubert syndrome with orofacialdigital anomalies; OROFACIODIGITAL SYNDROME VI; OFDS VI. Identifiers: Orphanet 2754, MedGen C2745997, MONDO:0010176, OMIM 277170.
CPLANE1-related disorders.

Allele frequency attached by ClinVar (database versions not stated): gnomAD 0.00001; gnomAD exomes 0.00001; TOPMed 0.00001.

Submissions (3):

Labcorp Genetics (formerly Invitae), Labcorp
Classification: Pathogenic. Last evaluated: 2024-10-29. Review status: criteria provided, single submitter. Criteria: Invitae Variant Classification Sherloc (09022015). Collection method: clinical testing. Allele origin: germline.
Comment: This sequence change creates a premature translational stop signal (p.Asp1467Argfs*8) in the CPLANE1 gene. It is expected to result in an absent or disrupted protein product. Loss-of-function variants in CPLANE1 are known to be pathogenic (PMID: 24178751, 26092869). This variant is present in population databases (no rsID available, gnomAD 0.003%). This premature translational stop signal has been observed in individual(s) with Joubert syndrome (PMID: 25407461). This variant is also known as C5orf42 D1467Rfs*7. ClinVar contains an entry for this variant (Variation ID: 944321). Algorithms developed to predict the effect of sequence changes on RNA splicing suggest that this variant may disrupt the consensus splice site. For these reasons, this variant has been classified as Pathogenic.

Fulgent Genetics
Classification: Likely pathogenic for Orofaciodigital syndrome type 6; Joubert syndrome 17. Last evaluated: 2024-02-13. Review status: criteria provided, single submitter. Criteria: ACMG Guidelines, 2015. Collection method: clinical testing. Allele origin: germline.

Blueprint Genetics
Classification: Likely pathogenic for CPLANE1-related disorders. Last evaluated: 2023-06-02. Review status: criteria provided, single submitter. Criteria: ACMG Guidelines, 2015. Collection method: clinical testing. Allele origin: germline. Affected: yes. Observed: 2 variant alleles.

Literature cited by the submitters: PubMed 24178751 (cited by Labcorp Genetics (formerly Invitae), Labcorp); PubMed 26092869 (cited by Labcorp Genetics (formerly Invitae), Labcorp); PubMed 25407461 (cited by Labcorp Genetics (formerly Invitae), Labcorp).